The following is an entry in ClinVar:

ClinVar aggregate classification (germline): Benign/Likely benign. Review status: criteria provided, multiple submitters, no conflicts (2 of 4 stars). 3 submissions from 3 submitters: Benign (1); Likely benign (2). Last evaluated 2025-06-03.

Conditions:
Hereditary cancer-predisposing syndrome. Also called: Hereditary neoplastic syndrome; Hereditary Cancer Syndrome; Tumor predisposition; Neoplastic Syndromes, Hereditary. Identifiers: Orphanet 140162, MedGen C0027672, MeSH D009386, MONDO:0015356.
Lynch syndrome 4 (LYNCH4). Also called: Colorectal cancer, hereditary nonpolyposis, type 4; Hereditary non-polyposis colorectal cancer, type 4. Identifiers: Orphanet 144, MedGen C1838333, MONDO:0013699, OMIM 614337. Disease mechanism: loss of function.
Hereditary nonpolyposis colorectal neoplasms. Identifiers: MedGen C0009405, MeSH D003123.

Allele frequency attached by ClinVar (database versions not stated): TOPMed 0.00001.

Submissions (3):

Labcorp Genetics (formerly Invitae), Labcorp
Classification: Likely benign for Hereditary nonpolyposis colorectal neoplasms. Last evaluated: 2025-06-03. Review status: criteria provided, single submitter. Criteria: Invitae Variant Classification Sherloc (09022015). Collection method: clinical testing. Allele origin: germline.

Myriad Genetics, Inc.
Classification: Benign for Lynch syndrome 4. Last evaluated: 2025-01-31. Review status: criteria provided, single submitter. Criteria: Myriad Autosomal Dominant, Autosomal Recessive and X-Linked Classification Criteria (2023). Collection method: clinical testing. Allele origin: unknown.
Comment: This variant is considered benign. This variant is a silent/synonymous amino acid change and it is not expected to impact splicing.

Ambry Genetics
Classification: Likely benign for Hereditary cancer-predisposing syndrome. Last evaluated: 2023-05-16. Review status: criteria provided, single submitter. Criteria: Ambry Variant Classification Scheme 2023. Collection method: clinical testing. Allele origin: germline.

NM_000535.7(PMS2):c.1767C>T (p.Asp589=)

Gene: PMS2 (PMS1 homolog 2, mismatch repair system component; minus strand). Cytogenetic location: 7p22.1.
Variant type: single nucleotide variant.
Coding change: c.1767C>T on transcript NM_000535.7 (MANE Select); coding-DNA position 1767, C replaced by T.
Protein change: p.Asp589=; no amino-acid change (aspartic acid 589 retained).
Molecular consequence: synonymous variant. On other transcripts: non-coding transcript variant (1).
Genome position (GRCh38, 1-based): chr7:5,986,998, G>A on the plus strand (C>T on the coding strand, the complement: PMS2 is on the minus strand). VCF-style: chr7-5986998-G-A. GRCh37 (hg19) VCF-style: chr7-6026629-G-A.
Other names: c.1362C>T, p.Asp454= (NM_001322003.2, NM_001322004.2, NM_001322005.2 and 1 more transcripts); c.1611C>T, p.Asp537= (NM_001322006.2); c.1449C>T, p.Asp483= (NM_001322007.2, NM_001322008.2); c.1206C>T, p.Asp402= (NM_001322010.2); c.834C>T, p.Asp278= (NM_001322011.2, NM_001322012.2); c.1194C>T, p.Asp398= (NM_001322013.2); c.1767C>T, p.Asp589= (NM_001322014.2); c.1458C>T, p.Asp486= (NM_001322015.2).
Identifiers: ClinVar variation 1138762 (VCV001138762.12), dbSNP rs1338436845, ClinGen allele CA453745965.